The following is an entry in ClinVar:

NM_018941.4(CLN8):c.806A>G (p.Glu269Gly)

Gene: CLN8 (CLN8 transmembrane ER and ERGIC protein; plus strand). Cytogenetic location: 8p23.3.
Variant type: single nucleotide variant.
Coding change: c.806A>G on transcript NM_018941.4 (MANE Select); coding-DNA position 806, A replaced by G.
Protein change: p.Glu269Gly; replaces glutamic acid 269 with glycine.
Molecular consequence: missense variant.
Genome position (GRCh38, 1-based): chr8:1,780,512, A>G. VCF-style: chr8-1780512-A-G. GRCh37 (hg19) VCF-style: chr8-1728678-A-G.
Other names: p.E269G:GAA>GGA; short protein forms E269G.
Identifiers: ClinVar variation 205197 (VCV000205197.8), dbSNP rs139003032, ClinGen allele CA314023.

ClinVar aggregate classification (germline): Uncertain significance. Review status: criteria provided, multiple submitters, no conflicts (2 of 4 stars). 3 submissions from 3 submitters: Uncertain significance (2). 1 of the submissions does not count toward it. Last evaluated 2024-07-31.

Conditions:
Neuronal ceroid lipofuscinosis. Also called: Neuronal Ceroid Lipofuscinoses. Identifiers: Orphanet 216, Orphanet 79263, MedGen C0027877, MONDO:0016295. Disease mechanism: loss of function.
Neuronal ceroid lipofuscinosis 8 (CLN8). Also called: CLN8-Related Neuronal Ceroid-Lipofuscinosis. Identifiers: Orphanet 168491, Orphanet 228354, Orphanet 79264, MedGen C1838570, MONDO:0010830, OMIM 600143.

Allele frequency attached by ClinVar (database versions not stated): TOPMed 0.00003.
gnomAD v4.1: 6 of 1,614,126 alleles (0.00037%); highest among the groups gnomAD compares: African/African-American, 0.0053%; no homozygotes.

Submissions (3):

Labcorp Genetics (formerly Invitae), Labcorp
Classification: Uncertain significance for Neuronal ceroid lipofuscinosis. Last evaluated: 2024-07-31. Review status: criteria provided, single submitter. Criteria: Invitae Variant Classification Sherloc (09022015). Collection method: clinical testing. Allele origin: germline.
Comment: This sequence change replaces glutamic acid, which is acidic and polar, with glycine, which is neutral and non-polar, at codon 269 of the CLN8 protein (p.Glu269Gly). This variant is present in population databases (rs139003032, gnomAD 0.03%). This variant has not been reported in the literature in individuals affected with CLN8-related conditions. ClinVar contains an entry for this variant (Variation ID: 205197). An algorithm developed to predict the effect of missense changes on protein structure and function outputs the following: PolyPhen-2: "Benign". The glycine amino acid residue is found in multiple mammalian species, which suggests that this missense change does not adversely affect protein function. In summary, the available evidence is currently insufficient to determine the role of this variant in disease. Therefore, it has been classified as a Variant of Uncertain Significance.

GeneDx
Classification: Uncertain significance. Last evaluated: 2019-12-03. Review status: criteria provided, single submitter. Criteria: GeneDx Variant Classification Process June 2021. Collection method: clinical testing. Allele origin: germline. Affected: yes.
Comment: In silico analysis, which includes protein predictors and evolutionary conservation, supports that this variant does not alter protein structure/function; Has not been previously published as pathogenic or benign to our knowledge

Natera, Inc.
Classification: Uncertain significance for Neuronal ceroid lipofuscinosis 8. Last evaluated: 2019-10-28. Review status: no assertion criteria provided. Collection method: clinical testing. Allele origin: germline. Not counted in ClinVar's aggregate classification.